The following is an entry in ClinVar:

NM_000051.4(ATM):c.6697A>C (p.Ile2233Leu)

Genes: ATM (ATM serine/threonine kinase; plus strand), C11orf65 (chromosome 11 open reading frame 65; minus strand). Cytogenetic location: 11q22.3.
Variant type: single nucleotide variant.
Coding change: c.6697A>C on transcript NM_000051.4 (MANE Select); coding-DNA position 6697, A replaced by C.
Protein change: p.Ile2233Leu; replaces isoleucine 2233 with leucine.
Molecular consequence: missense variant. On other transcripts: intron variant (2).
Genome position (GRCh38, 1-based): chr11:108,325,434, A>C. VCF-style: chr11-108325434-A-C. GRCh37 (hg19) VCF-style: chr11-108196161-A-C.
Other names: c.6697A>C, p.Ile2233Leu (NM_001351834.2); c.641-16363T>G (NM_001330368.2); c.*38+9786T>G (NM_001351110.2); short protein forms I2233L.
Identifiers: ClinVar variation 656652 (VCV000656652.12), dbSNP rs1385625521, ClinGen allele CA382554918.

ClinVar aggregate classification (germline): Conflicting classifications of pathogenicity. Review status: criteria provided, conflicting classifications (1 of 4 stars). 3 submissions from 3 submitters: Uncertain significance (2); Likely benign (1). Last evaluated 2024-01-03.

Conditions:
Familial cancer of breast. Also called: Hereditary breast cancer; BREAST CANCER, FAMILIAL; hereditary breast carcinoma. Identifiers: Orphanet 227535, MedGen C0346153, MONDO:0016419, OMIM 114480. Disease mechanism: loss of function.
Hereditary cancer-predisposing syndrome. Also called: Tumor predisposition; Hereditary neoplastic syndrome; Neoplastic Syndromes, Hereditary; Hereditary Cancer Syndrome. Identifiers: Orphanet 140162, MedGen C0027672, MeSH D009386, MONDO:0015356.
Ataxia-telangiectasia syndrome (AT). Also called: Ataxia-telangiectasia, complementation group D; AT, COMPLEMENTATION GROUP C; ATAXIA-TELANGIECTASIA, COMPLEMENTATION GROUP A; ATAXIA-TELANGIECTASIA, FRESNO VARIANT; Ataxia-telangiectasia; LOUIS-BAR SYNDROME. Identifiers: Orphanet 100, MedGen C0004135, MONDO:0008840, OMIM 208900.

Allele frequency attached by ClinVar (database versions not stated): gnomAD exomes below 0.00001.
gnomAD v4.1: 1 of 1,613,686 alleles (0.000062%); highest among the groups gnomAD compares: South Asian, 0.0011%; no homozygotes.

Submissions (3):

Ambry Genetics
Classification: Likely benign for Hereditary cancer-predisposing syndrome. Last evaluated: 2024-01-03. Review status: criteria provided, single submitter. Criteria: Ambry Variant Classification Scheme 2023. Collection method: clinical testing. Allele origin: germline.

Baylor Genetics
Classification: Uncertain significance for Familial cancer of breast. Last evaluated: 2023-07-20. Review status: criteria provided, single submitter. Criteria: ACMG Guidelines, 2015. Collection method: clinical testing. Allele origin: unknown.

Labcorp Genetics (formerly Invitae), Labcorp
Classification: Uncertain significance for Ataxia-telangiectasia syndrome. Last evaluated: 2023-01-11. Review status: criteria provided, single submitter. Criteria: Invitae Variant Classification Sherloc (09022015). Collection method: clinical testing. Allele origin: germline.
Comment: In summary, the available evidence is currently insufficient to determine the role of this variant in disease. Therefore, it has been classified as a Variant of Uncertain Significance. Algorithms developed to predict the effect of missense changes on protein structure and function output the following: SIFT: "Tolerated"; PolyPhen-2: "Benign"; Align-GVGD: "Class C0". The leucine amino acid residue is found in multiple mammalian species, which suggests that this missense change does not adversely affect protein function. ClinVar contains an entry for this variant (Variation ID: 656652). This variant has not been reported in the literature in individuals affected with ATM-related conditions. This variant is present in population databases (no rsID available, gnomAD 0.003%). This sequence change replaces isoleucine, which is neutral and non-polar, with leucine, which is neutral and non-polar, at codon 2233 of the ATM protein (p.Ile2233Leu).